The following is an entry in ClinVar:

ClinVar aggregate classification (germline): Conflicting classifications of pathogenicity. Review status: criteria provided, conflicting classifications (1 of 4 stars). 5 submissions from 4 submitters: Uncertain significance (2); Likely benign (2). 1 of the submissions does not count toward it. Last evaluated 2026-02-04.

Conditions:
Transitory neonatal diabetes mellitus. Also called: Transient neonatal diabetes mellitus. Identifiers: MedGen C0342273, MONDO:0020525, HP:0008255.
Hereditary hyperinsulinism.
Maturity-onset diabetes of the young (MODY). Also called: Maturity onset diabetes mellitus in young. Identifiers: Orphanet 552, MedGen C0342276, MONDO:0018911, HP:0004904.

Allele frequency attached by ClinVar (database versions not stated): gnomAD 0.00001 and 0.00005; TOPMed 0.00003; gnomAD exomes 0.00005 and 0.00008; ExAC 0.00009; 1000 Genomes Project 30x 0.00062; 1000 Genomes Project 0.00080.
gnomAD v4.1: 74 of 1,613,658 alleles (0.0046%); highest among the groups gnomAD compares: South Asian, 0.065%; no homozygotes.

Submissions (5):

Labcorp Genetics (formerly Invitae), Labcorp
Classification: Likely benign. Last evaluated: 2026-02-04. Review status: criteria provided, single submitter. Criteria: Invitae Variant Classification Sherloc (09022015). Collection method: clinical testing. Allele origin: germline.

Women's Health and Genetics/Laboratory Corporation of America, LabCorp
Classification: Likely benign. Last evaluated: 2025-04-14. Review status: criteria provided, single submitter. Criteria: LabCorp Variant Classification Summary - May 2015. Collection method: clinical testing. Allele origin: germline.
Comment: Variant summary: ABCC8 c.2391-6C>T alters a nucleotide located in the intron. Consensus agreement among computation tools predict no significant impact on normal splicing. However, these predictions have yet to be confirmed by functional studies. The variant allele was found at a frequency of 7.6e-05 in 251448 control chromosomes. This frequency is not significantly higher than estimated for a pathogenic variant in ABCC8 causing Familial Hyperinsulinism (7.6e-05 vs 0.0034), allowing no conclusion about variant significance. To our knowledge, no occurrence of c.2391-6C>T in individuals affected with Familial Hyperinsulinism and no experimental evidence demonstrating its impact on protein function have been reported. ClinVar contains an entry for this variant (Variation ID: 797672). Based on the evidence outlined above, the variant was classified as likely benign.

Clinical Genomics, Uppaluri K&H Personalized Medicine Clinic
Classification: Uncertain significance for Transitory neonatal diabetes mellitus. Review status: criteria provided, single submitter. Criteria: K & H Uppaluri Personalized Medicine Clinic Variant Classification & Assertion Criteria_Updated V.1. Collection method: research. Allele origin: unknown. Inheritance: Somatic mutation.
Comment: Mutations in ABCC8 gene are associated with both neonatal diabetes mellitus as well as MODY. Patients with this mutation may have a better response to sulfonylureas. However, no sufficient evidence is found to ascertain the role of this particular variant (rs556416038) in neonatal diabetes yet.

Clinical Genomics, Uppaluri K&H Personalized Medicine Clinic
Classification: Uncertain significance for Maturity-onset diabetes of the young. Review status: criteria provided, single submitter. Criteria: K & H Uppaluri Personalized Medicine Clinic Variant Classification & Assertion Criteria_Updated V.1. Collection method: research. Allele origin: unknown. Inheritance: Somatic mutation.
Comment: Mutations in ABCC8 gene are associated with both neonatal diabetes mellitus as well as MODY. Patients with this mutation may have a better response to sulfonylureas. However, no sufficient evidence is found to ascertain the role of this particular variant (rs556416038) in MODY yet.

Natera, Inc.
Classification: Uncertain significance for Hereditary hyperinsulinism. Last evaluated: 2020-04-10. Review status: no assertion criteria provided. Collection method: clinical testing. Allele origin: germline. Not counted in ClinVar's aggregate classification.

Literature cited by the submitters: PubMed 16885549 (cited by Clinical Genomics, Uppaluri K&H Personalized Medicine Clinic); PubMed 21989597 (cited by Clinical Genomics, Uppaluri K&H Personalized Medicine Clinic); PubMed 27538677 (cited by Clinical Genomics, Uppaluri K&H Personalized Medicine Clinic); PubMed 18981553 (cited by Clinical Genomics, Uppaluri K&H Personalized Medicine Clinic); PubMed 32027066 (cited by Clinical Genomics, Uppaluri K&H Personalized Medicine Clinic); PubMed 16613899 (cited by Clinical Genomics, Uppaluri K&H Personalized Medicine Clinic); PubMed 18025408 (cited by Clinical Genomics, Uppaluri K&H Personalized Medicine Clinic); PubMed 32792356 (cited by Clinical Genomics, Uppaluri K&H Personalized Medicine Clinic).

NM_000352.6(ABCC8):c.2391-6C>T

Genes: ABCC8 (ATP binding cassette subfamily C member 8; minus strand), LOC110121471 (VISTA enhancer hs1977; plus strand). Cytogenetic location: 11p15.1.
Variant type: single nucleotide variant.
Coding change: c.2391-6C>T on transcript NM_000352.6 (MANE Select); 6 bases into the intron before coding-DNA position 2391, C replaced by T.
Molecular consequence: intron variant.
Genome position (GRCh38, 1-based): chr11:17,413,484, G>A on the plus strand (C>T on the coding strand, the complement: ABCC8 is on the minus strand). VCF-style: chr11-17413484-G-A. GRCh37 (hg19) VCF-style: chr11-17435031-G-A.
Other names: c.2388-6C>T (NM_001351297.2); c.2391-6C>T (NM_001351296.2); c.2457-6C>T (NM_001351295.2); c.2394-6C>T (NM_001287174.3).
Identifiers: ClinVar variation 797672 (VCV000797672.14), dbSNP rs556416038, ClinGen allele CA5903151.